The following is an entry in ClinVar:

ClinVar aggregate classification (germline): Uncertain significance (1 of 4 stars; one submission).

Allele frequency attached by ClinVar (database versions not stated): gnomAD exomes 0.00001.
gnomAD v4.1: 4 of 1,614,188 alleles (0.00025%); highest among the groups gnomAD compares: Admixed American, 0.0017%; no homozygotes.

Submission:

Labcorp Genetics (formerly Invitae), Labcorp
Classification: Uncertain significance. Last evaluated: 2024-02-16. Review status: criteria provided, single submitter. Criteria: Invitae Variant Classification Sherloc (09022015). Collection method: clinical testing. Allele origin: germline.
Comment: This sequence change replaces glutamine, which is neutral and polar, with arginine, which is basic and polar, at codon 1329 of the HTT protein (p.Gln1329Arg). This variant is present in population databases (no rsID available, gnomAD 0.003%). This variant has not been reported in the literature in individuals affected with HTT-related conditions. ClinVar contains an entry for this variant (Variation ID: 1522944). Experimental studies and prediction algorithms are not available or were not evaluated, and the functional significance of this variant is currently unknown. In summary, the available evidence is currently insufficient to determine the role of this variant in disease. Therefore, it has been classified as a Variant of Uncertain Significance.

NM_001388492.1(HTT):c.3980A>G (p.Gln1327Arg)

Gene: HTT (huntingtin; plus strand). Cytogenetic location: 4p16.3.
Variant type: single nucleotide variant.
Coding change: c.3980A>G on transcript NM_001388492.1 (MANE Select); coding-DNA position 3980, A replaced by G.
Protein change: p.Gln1327Arg; replaces glutamine 1327 with arginine.
Molecular consequence: missense variant.
Genome position (GRCh38, 1-based): chr4:3,172,945, A>G. VCF-style: chr4-3172945-A-G. GRCh37 (hg19) VCF-style: chr4-3174672-A-G.
Other names: c.3986A>G, p.Gln1329Arg (NM_002111.8); short protein forms Q1327R, Q1329R.
Identifiers: ClinVar variation 1522944 (VCV001522944.6), dbSNP rs1283289670, ClinGen allele CA356064744.